The following is an entry in ClinVar:

NM_000537.4(REN):c.663G>A (p.Glu221=)

Gene: REN (renin; minus strand). Cytogenetic location: 1q32.1.
Variant type: single nucleotide variant.
Coding change: c.663G>A on transcript NM_000537.4 (MANE Select); coding-DNA position 663, G replaced by A.
Protein change: p.Glu221=; no amino-acid change (glutamic acid 221 retained).
Molecular consequence: synonymous variant.
Genome position (GRCh38, 1-based): chr1:204,159,425, C>T on the plus strand (G>A on the coding strand, the complement: REN is on the minus strand). VCF-style: chr1-204159425-C-T. GRCh37 (hg19) VCF-style: chr1-204128553-C-T.
Identifiers: ClinVar variation 294955 (VCV000294955.17), dbSNP rs34069565, ClinGen allele CA1344869.
Genomic context (GRCh38, chr1:204,159,425, plus strand): 5'-CCCCCACCTCAGCCCTTGGAGTCCCAGTCCCCACCTGTTGTAGTAGAAAGAGAAGACGTC[C>T]TCTTTTAGCACCCCTTGGGAGATGATGTTGTCGAAGATAGGGGTGACCCTGCCAATGGCC-3'
Protein context (NP_000528.1, residues 211-231): DNIISQGVLK[Glu221=]DVFSFYYNRD

ClinVar aggregate classification (germline): Conflicting classifications of pathogenicity. Review status: criteria provided, conflicting classifications (1 of 4 stars). 5 submissions from 4 submitters: Uncertain significance (1); Benign (1); Likely benign (2). 1 of the submissions does not count toward it. Last evaluated 2025-11-03.

Conditions:
REN-related disorder. Also called: REN-related condition.
Familial juvenile hyperuricemic nephropathy type 2 (ADTKD4). Also called: Autosomal Dominant Tubulointerstitial Kidney Disease – REN; EARLY-ONSET HYPERURICEMIA, ANEMIA, AND PROGRESSIVE KIDNEY FAILURE. Identifiers: Orphanet 217330, MedGen C2751310, MONDO:0013128, OMIM 613092.
Renal tubular dysgenesis. Also called: Renotubular dysgenesis. Identifiers: Orphanet 3033, MedGen C0266313, MONDO:0017609, HP:0008660.

Allele frequency attached by ClinVar (database versions not stated): ExAC 0.00052; gnomAD exomes 0.00053 and 0.00075; TOPMed 0.00056; gnomAD 0.00059 and 0.00060; 1000 Genomes Project 0.00060; 1000 Genomes Project 30x 0.00062; ESP Exome Variant Server 0.00069.
gnomAD v4.1: 1,162 of 1,614,106 alleles (0.072%); highest among the groups gnomAD compares: Non-Finnish European, 0.091%; 2 homozygotes.

Submissions (5):

Labcorp Genetics (formerly Invitae), Labcorp
Classification: Likely benign. Last evaluated: 2025-11-03. Review status: criteria provided, single submitter. Criteria: Invitae Variant Classification Sherloc (09022015). Collection method: clinical testing. Allele origin: germline.

Blueprint Genetics
Classification: Likely benign. Last evaluated: 2024-10-08. Review status: criteria provided, single submitter. Criteria: ACMG Guidelines, 2015. Collection method: clinical testing. Allele origin: germline.

Illumina Laboratory Services, Illumina
Classification: Uncertain significance for Renal tubular dysgenesis of genetic origin. Last evaluated: 2018-01-13. Review status: criteria provided, single submitter. Criteria: ICSL Variant Classification Criteria 13 December 2019. Collection method: clinical testing. Allele origin: germline.

Illumina Laboratory Services, Illumina
Classification: Benign for Familial juvenile hyperuricemic nephropathy type 2. Last evaluated: 2018-01-13. Review status: criteria provided, single submitter. Criteria: ICSL Variant Classification Criteria 13 December 2019. Collection method: clinical testing. Allele origin: germline.
Comment: This variant was observed in the ICSL laboratory as part of a predisposition screen in an ostensibly healthy population. It had not been previously curated by ICSL or reported in the Human Gene Mutation Database (HGMD: prior to June 1st, 2018), and was therefore a candidate for classification through an automated scoring system. Utilizing variant allele frequency, disease prevalence and penetrance estimates, and inheritance mode, an automated score was calculated to assess if this variant is too frequent to cause the disease. Based on the score and internal cut-off values, a variant classified as benign is not then subjected to further curation. The score for this variant resulted in a classification of benign for this disease.

PreventionGenetics, part of Exact Sciences
Classification: Likely benign for REN-related condition. Last evaluated: 2024-01-30. Review status: no assertion criteria provided. Collection method: clinical testing. Allele origin: germline. Not counted in ClinVar's aggregate classification.
Comment: This variant is classified as likely benign based on ACMG/AMP sequence variant interpretation guidelines (Richards et al. 2015 PMID: 25741868, with internal and published modifications).